The following is an entry in ClinVar:

ClinVar aggregate classification (germline): Uncertain significance. Review status: criteria provided, multiple submitters, no conflicts (2 of 4 stars). 5 submissions from 5 submitters: Uncertain significance (5). Last evaluated 2024-03-09.

Conditions:
Glucocorticoid deficiency 5. Identifiers: MedGen C4540522, MONDO:0040502, OMIM 617825.
TXNRD2-associated Cardiomyopathy.
Cardiovascular phenotype. Identifiers: MedGen CN230736.
Primary dilated cardiomyopathy (DCM). Also called: Dilated Cardiomyopathy. Identifiers: Orphanet 217604, MedGen C0007193, MeSH D002311, MONDO:0005021, HP:0001644. Inheritance: Various modes of inheritance.

Allele frequency attached by ClinVar (database versions not stated): ExAC 0.00001; gnomAD exomes 0.00002 and 0.00004; gnomAD 0.00003 and 0.00004; TOPMed 0.00006.
gnomAD v4.1: 72 of 1,613,570 alleles (0.0045%); highest among the groups gnomAD compares: Non-Finnish European, 0.0053%; no homozygotes.

Submissions (5):

Ambry Genetics
Classification: Uncertain significance for Cardiovascular phenotype. Last evaluated: 2024-03-09. Review status: criteria provided, single submitter. Criteria: Ambry Variant Classification Scheme 2023. Collection method: clinical testing. Allele origin: germline.
Comment: The p.G47R variant (also known as c.139G>A), located in coding exon 2 of the TXNRD2 gene, results from a G to A substitution at nucleotide position 139. The glycine at codon 47 is replaced by arginine, an amino acid with dissimilar properties. This amino acid position is highly conserved in available vertebrate species. In addition, the in silico prediction for this alteration is inconclusive. Since supporting evidence is limited at this time, the clinical significance of this alteration remains unclear.

Labcorp Genetics (formerly Invitae), Labcorp
Classification: Uncertain significance for Primary dilated cardiomyopathy. Last evaluated: 2023-08-28. Review status: criteria provided, single submitter. Criteria: Invitae Variant Classification Sherloc (09022015). Collection method: clinical testing. Allele origin: germline.
Comment: In summary, the available evidence is currently insufficient to determine the role of this variant in disease. Therefore, it has been classified as a Variant of Uncertain Significance. Algorithms developed to predict the effect of sequence changes on RNA splicing suggest that this variant may disrupt the consensus splice site. Advanced modeling of protein sequence and biophysical properties (such as structural, functional, and spatial information, amino acid conservation, physicochemical variation, residue mobility, and thermodynamic stability) performed at Invitae indicates that this missense variant is expected to disrupt TXNRD2 protein function. ClinVar contains an entry for this variant (Variation ID: 965157). This variant has not been reported in the literature in individuals affected with TXNRD2-related conditions. This variant is present in population databases (rs759298418, gnomAD 0.01%). This sequence change replaces glycine, which is neutral and non-polar, with arginine, which is basic and polar, at codon 47 of the TXNRD2 protein (p.Gly47Arg).

Fulgent Genetics
Classification: Uncertain significance for Glucocorticoid deficiency 5. Last evaluated: 2022-01-24. Review status: criteria provided, single submitter. Criteria: ACMG Guidelines, 2015. Collection method: clinical testing. Allele origin: unknown.

New York Genome Center
Classification: Uncertain significance for TXNRD2-associated Cardiomyopathy. Last evaluated: 2021-07-16. Review status: criteria provided, single submitter. Criteria: NYGC Assertion Criteria 2020. Collection method: clinical testing. Allele origin: inherited. Observed: 1 heterozygote. Study: CSER-NYCKidSeq.

GeneDx
Classification: Uncertain significance. Last evaluated: 2019-08-01. Review status: criteria provided, single submitter. Criteria: GeneDx Variant Classification Process June 2021. Collection method: clinical testing. Allele origin: germline. Affected: yes.
Comment: Has not been previously published as pathogenic or benign to our knowledge; In silico analysis, which includes protein predictors and evolutionary conservation, supports a deleterious effect

NM_006440.5(TXNRD2):c.139G>A (p.Gly47Arg)

Gene: TXNRD2 (thioredoxin reductase 2; minus strand). Cytogenetic location: 22q11.21.
Variant type: single nucleotide variant.
Coding change: c.139G>A on transcript NM_006440.5 (MANE Select); coding-DNA position 139, G replaced by A.
Protein change: p.Gly47Arg; replaces glycine 47 with arginine.
Molecular consequence: missense variant. On other transcripts: 5 prime UTR variant (1), non-coding transcript variant (1).
Genome position (GRCh38, 1-based): chr22:19,931,063, C>T on the plus strand (G>A on the coding strand, the complement: TXNRD2 is on the minus strand). VCF-style: chr22-19931063-C-T. GRCh37 (hg19) VCF-style: chr22-19918586-C-T.
Other names: c.139G>A, p.Gly47Arg (NM_001282512.3); c.136G>A, p.Gly46Arg (NM_001352300.2); c.49G>A, p.Gly17Arg (NM_001352301.2); c.-150G>A (NM_001352302.2); c.43G>A, p.Gly15Arg (NM_001352303.2); short protein forms G47R, G46R, G15R, G17R.
Identifiers: ClinVar variation 965157 (VCV000965157.13), dbSNP rs759298418, ClinGen allele CA10104336.